The following is an entry in ClinVar:

ClinVar aggregate classification (germline): Uncertain significance (1 of 4 stars; one submission).

Allele frequency attached by ClinVar (database versions not stated): gnomAD exomes below 0.00001.

Submission:

Labcorp Genetics (formerly Invitae), Labcorp
Classification: Uncertain significance. Last evaluated: 2021-07-22. Review status: criteria provided, single submitter. Criteria: Invitae Variant Classification Sherloc (09022015). Collection method: clinical testing. Allele origin: germline.
Comment: In summary, the available evidence is currently insufficient to determine the role of this variant in disease. Therefore, it has been classified as a Variant of Uncertain Significance. Algorithms developed to predict the effect of missense changes on protein structure and function (SIFT, PolyPhen-2, Align-GVGD) all suggest that this variant is likely to be disruptive. This variant has not been reported in the literature in individuals affected with ADAMTSL4-related conditions. This variant is not present in population databases (ExAC no frequency). This sequence change replaces tyrosine with cysteine at codon 597 of the ADAMTSL4 protein (p.Tyr597Cys). The tyrosine residue is highly conserved and there is a large physicochemical difference between tyrosine and cysteine.

NM_019032.6(ADAMTSL4):c.1790A>G (p.Tyr597Cys)

Genes: ADAMTSL4 (ADAMTS like 4; plus strand), ADAMTSL4-AS2 (ADAMTSL4 antisense RNA 2; minus strand). Cytogenetic location: 1q21.2.
Variant type: single nucleotide variant.
Coding change: c.1790A>G on transcript NM_019032.6 (MANE Select); coding-DNA position 1790, A replaced by G.
Protein change: p.Tyr597Cys; replaces tyrosine 597 with cysteine.
Molecular consequence: missense variant. On other transcripts: intron variant (1).
Genome position (GRCh38, 1-based): chr1:150,556,979, A>G. VCF-style: chr1-150556979-A-G. GRCh37 (hg19) VCF-style: chr1-150529455-A-G.
Other names: c.1859A>G, p.Tyr620Cys (NM_001288608.2); c.1790A>G, p.Tyr597Cys (NM_001378596.1, NM_025008.5); c.1856+3A>G (NM_001288607.2); short protein forms Y620C, Y597C.
Identifiers: ClinVar variation 1507036 (VCV001507036.6), dbSNP rs1349829352, ClinGen allele CA342313324.